The following is an entry in ClinVar:

NM_001164665.2(KIAA1549):c.5598+7A>G

Gene: KIAA1549 (KIAA1549; minus strand). Cytogenetic location: 7q34.
Variant type: single nucleotide variant.
Coding change: c.5598+7A>G on transcript NM_001164665.2 (MANE Select); 7 bases into the intron after coding-DNA position 5598, A replaced by G.
Molecular consequence: intron variant.
Genome position (GRCh38, 1-based): chr7:138,840,126, T>C on the plus strand (A>G on the coding strand, the complement: KIAA1549 is on the minus strand). VCF-style: chr7-138840126-T-C. GRCh37 (hg19) VCF-style: chr7-138524871-T-C.
Other names: c.5598+7A>G (NM_020910.3).
Identifiers: ClinVar variation 2009758 (VCV002009758.4), dbSNP rs1235191009, ClinGen allele CA834045550.
Genomic context (GRCh38, chr7:138,840,126, plus strand): 5'-AGGTGTGAGCCACCGCACCTGGCCTATGTCTAAATTTTAAATGATGACCCAAACAGGAGA[T>C]ACTCACGGCCTCTCTTCGCCCCGCTTCGTCCTCCCCGTACGAAGGCCAGCCTGGCCCCCC-3'

ClinVar aggregate classification (germline): Uncertain significance (1 of 4 stars; one submission).

Allele frequency attached by ClinVar (database versions not stated): gnomAD exomes below 0.00001; gnomAD 0.00001; TOPMed 0.00001.
gnomAD v4.1: 3 of 1,549,980 alleles (0.00019%); highest among the groups gnomAD compares: African/African-American, 0.0041%; no homozygotes.

Submission:

Labcorp Genetics (formerly Invitae), Labcorp
Classification: Uncertain significance. Last evaluated: 2022-06-23. Review status: criteria provided, single submitter. Criteria: Invitae Variant Classification Sherloc (09022015). Collection method: clinical testing. Allele origin: germline.
Comment: In summary, the available evidence is currently insufficient to determine the role of this variant in disease. Therefore, it has been classified as a Variant of Uncertain Significance. Algorithms developed to predict the effect of sequence changes on RNA splicing suggest that this variant may disrupt the consensus splice site. This variant has not been reported in the literature in individuals affected with KIAA1549-related conditions. This variant is not present in population databases (gnomAD no frequency). This sequence change falls in intron 19 of the KIAA1549 gene. It does not directly change the encoded amino acid sequence of the KIAA1549 protein.